The following is an entry in ClinVar:

NM_001267550.2(TTN):c.11311+1101G>A

Gene: TTN (titin; minus strand). Cytogenetic location: 2q31.2.
Variant type: single nucleotide variant.
Coding change: c.11311+1101G>A on transcript NM_001267550.2 (MANE Select); 1101 bases into the intron after coding-DNA position 11311, G replaced by A.
Molecular consequence: intron variant. On other transcripts: synonymous variant (1).
Genome position (GRCh38, 1-based): chr2:178,752,023, C>T on the plus strand (G>A on the coding strand, the complement: TTN is on the minus strand). VCF-style: chr2-178752023-C-T. GRCh37 (hg19) VCF-style: chr2-179616750-C-T.
Other names: c.10377G>A, p.Gly3459= (NM_133379.5); c.10222+1101G>A (NM_003319.4); c.10798+1101G>A (NM_133437.4); c.10597+1101G>A (NM_133432.3); c.10360+1101G>A (NM_133378.4, NM_001256850.1).
Identifiers: ClinVar variation 4958757 (VCV004958757.2).

ClinVar aggregate classification (germline): Likely benign. Review status: criteria provided, multiple submitters, no conflicts (2 of 4 stars). 2 submissions from 2 submitters: Likely benign (2). Last evaluated 2026-03-24.

Conditions:
TTN-related disorder. Also called: TTN-related disorders; TTN-related condition; TTN-related disease.

gnomAD v4.1: 84 of 1,583,510 alleles (0.0053%); highest among the groups gnomAD compares: Middle Eastern, 0.017%; no homozygotes.

Submissions (2):

PreventionGenetics, part of Exact Sciences
Classification: Likely benign for TTN-related condition. Last evaluated: 2026-03-24. Review status: criteria provided, single submitter. Criteria: ACMG Guidelines, 2015. Collection method: clinical testing. Allele origin: germline.
Comment: This variant is classified as likely benign based on ACMG/AMP sequence variant interpretation guidelines (Richards et al. 2015 PMID: 25741868, with internal and published modifications).

Blueprint Genetics
Classification: Likely benign. Last evaluated: 2024-08-30. Review status: criteria provided, single submitter. Criteria: ACMG Guidelines, 2015. Collection method: clinical testing. Allele origin: germline.